The following is an entry in ClinVar:

ClinVar aggregate classification (germline): Likely benign. Review status: criteria provided, multiple submitters, no conflicts (2 of 4 stars). 2 submissions from 2 submitters: Likely benign (2). Last evaluated 2022-12-01.

Allele frequency attached by ClinVar (database versions not stated): gnomAD 0.00001; gnomAD exomes 0.00001; TOPMed 0.00001.
gnomAD v4.1: 19 of 1,572,182 alleles (0.0012%); highest among the groups gnomAD compares: Admixed American, 0.0018%; no homozygotes.

Submissions (2):

CeGaT Center for Human Genetics Tuebingen
Classification: Likely benign. Last evaluated: 2022-12-01. Review status: criteria provided, single submitter. Criteria: CeGaT Center For Human Genetics Tuebingen Variant Classification Criteria Version 2. Collection method: clinical testing. Allele origin: germline. Affected: yes. Observed: 1 variant allele.
Comment: PINK1: BP4, BP7

Blueprint Genetics
Classification: Likely benign. Last evaluated: 2022-03-24. Review status: criteria provided, single submitter. Criteria: ACMG Guidelines, 2015. Collection method: clinical testing. Allele origin: germline.

NM_032409.3(PINK1):c.241T>C (p.Leu81=)

Gene: PINK1 (PTEN induced kinase 1; plus strand). Cytogenetic location: 1p36.12.
Variant type: single nucleotide variant.
Coding change: c.241T>C on transcript NM_032409.3 (MANE Select); coding-DNA position 241, T replaced by C.
Protein change: p.Leu81=; no amino-acid change (leucine 81 retained).
Molecular consequence: synonymous variant.
Genome position (GRCh38, 1-based): chr1:20,633,789, T>C. VCF-style: chr1-20633789-T-C. GRCh37 (hg19) VCF-style: chr1-20960282-T-C.
Identifiers: ClinVar variation 2638435 (VCV002638435.25), dbSNP rs1456150277, ClinGen allele CA416674716.